The following is an entry in ClinVar:

NM_025114.4(CEP290):c.5282A>G (p.Glu1761Gly)

Gene: CEP290 (centrosomal protein 290; minus strand). Cytogenetic location: 12q21.32.
Variant type: single nucleotide variant.
Coding change: c.5282A>G on transcript NM_025114.4 (MANE Select); coding-DNA position 5282, A replaced by G.
Protein change: p.Glu1761Gly; replaces glutamic acid 1761 with glycine.
Molecular consequence: missense variant.
Genome position (GRCh38, 1-based): chr12:88,079,174, T>C on the plus strand (A>G on the coding strand, the complement: CEP290 is on the minus strand). VCF-style: chr12-88079174-T-C. GRCh37 (hg19) VCF-style: chr12-88472951-T-C.
Other names: short protein forms E1761G.
Identifiers: ClinVar variation 2146204 (VCV002146204.4), dbSNP rs2499887339, ClinGen allele CA385990544.

ClinVar aggregate classification (germline): Uncertain significance. Review status: criteria provided, multiple submitters, no conflicts (2 of 4 stars). 2 submissions from 2 submitters: Uncertain significance (2). Last evaluated 2022-02-07.

Conditions:
Meckel-Gruber syndrome. Also called: GRUBER SYNDROME; DYSENCEPHALIA SPLANCHNOCYSTICA; Dysencephalia splachnocystica. Identifiers: Orphanet 564, MedGen C0265215, MONDO:0018921.
Nephronophthisis. Also called: Juvenile Nephronophthisis. Identifiers: Orphanet 655, MedGen C0687120, MONDO:0019005, HP:0000090.
Joubert syndrome. Also called: JOUBERT-BOLTSHAUSER SYNDROME; Familial aplasia of the vermis. Identifiers: Orphanet 475, MedGen C5979921, MONDO:0018772.

Submissions (2):

Labcorp Genetics (formerly Invitae), Labcorp
Classification: Uncertain significance for Joubert syndrome; Meckel-Gruber syndrome; Nephronophthisis. Last evaluated: 2022-02-07. Review status: criteria provided, single submitter. Criteria: Invitae Variant Classification Sherloc (09022015). Collection method: clinical testing. Allele origin: germline.
Comment: In summary, the available evidence is currently insufficient to determine the role of this variant in disease. Therefore, it has been classified as a Variant of Uncertain Significance. Algorithms developed to predict the effect of missense changes on protein structure and function are either unavailable or do not agree on the potential impact of this missense change (SIFT: "Deleterious"; PolyPhen-2: "Possibly Damaging"; Align-GVGD: "Class C15"). This variant has not been reported in the literature in individuals affected with CEP290-related conditions. This variant is not present in population databases (gnomAD no frequency). This sequence change replaces glutamic acid, which is acidic and polar, with glycine, which is neutral and non-polar, at codon 1761 of the CEP290 protein (p.Glu1761Gly).

Blueprint Genetics
Classification: Uncertain significance. Last evaluated: 2021-04-20. Review status: criteria provided, single submitter. Criteria: ACMG Guidelines, 2015. Collection method: clinical testing. Allele origin: germline.